The following is an entry in ClinVar:

ClinVar aggregate classification (germline): Likely pathogenic (1 of 4 stars; one submission).

Submission:

GeneDx
Classification: Likely pathogenic. Last evaluated: 2018-02-13. Review status: criteria provided, single submitter. Criteria: GeneDx Variant Classification (06012015). Collection method: clinical testing. Allele origin: germline. Affected: yes.
Comment: The L346P variant in the HDAC8 gene has not been reported previously as a pathogenic variant, nor as a benign variant, to our knowledge. The L346P variant was not observed in approximately 6500 individuals of European and African American ancestry in the NHLBI Exome Sequencing Project, indicating it is not a common benign variant in these populations. The L346P variant is a semi-conservative amino acid substitution, which may impact secondary protein structure as these residues differ in some properties. This substitution occurs at a position that is conserved across species, and in silico analysis predicts this variant is probably damaging to the protein structure/function. The L346P variant is a strong candidate for a pathogenic variant.

NM_018486.3(HDAC8):c.1037T>C (p.Leu346Pro)

Gene: HDAC8 (histone deacetylase 8; minus strand). Cytogenetic location: Xq13.1.
Variant type: single nucleotide variant.
Coding change: c.1037T>C on transcript NM_018486.3 (MANE Select); coding-DNA position 1037, T replaced by C.
Protein change: p.Leu346Pro; replaces leucine 346 with proline.
Molecular consequence: missense variant. On other transcripts: non-coding transcript variant (1).
Genome position (GRCh38, 1-based): chrX:72,351,807, A>G on the plus strand (T>C on the coding strand, the complement: HDAC8 is on the minus strand). VCF-style: chrX-72351807-A-G. GRCh37 (hg19) VCF-style: chrX-71571657-A-G.
Other names: c.764T>C, p.Leu255Pro (NM_001166418.2); short protein forms L346P, L255P.
Identifiers: ClinVar variation 392167 (VCV000392167.2), dbSNP rs1057524379, ClinGen allele CA16608930.